The following is an entry in ClinVar:

ClinVar aggregate classification (germline): Uncertain significance. Review status: criteria provided, multiple submitters, no conflicts (2 of 4 stars). 5 submissions from 5 submitters: Uncertain significance (5). Last evaluated 2025-08-10.

Conditions:
Hereditary cancer-predisposing syndrome. Also called: Tumor predisposition; Neoplastic Syndromes, Hereditary; Hereditary Cancer Syndrome; Hereditary neoplastic syndrome. Identifiers: Orphanet 140162, MedGen C0027672, MeSH D009386, MONDO:0015356.
Familial cancer of breast. Also called: Hereditary breast cancer; BREAST CANCER, FAMILIAL; hereditary breast carcinoma. Identifiers: Orphanet 227535, MedGen C0346153, MONDO:0016419, OMIM 114480. Disease mechanism: loss of function.

Allele frequency attached by ClinVar (database versions not stated): gnomAD exomes below 0.00001; TOPMed below 0.00001; ExAC 0.00002.
gnomAD v4.1: 2 of 1,614,026 alleles (0.00012%); highest among the groups gnomAD compares: East Asian, 0.0045%; no homozygotes.

Submissions (5):

Ambry Genetics
Classification: Uncertain significance for Hereditary cancer-predisposing syndrome. Last evaluated: 2025-08-10. Review status: criteria provided, single submitter. Criteria: Ambry Variant Classification Scheme 2023. Collection method: clinical testing. Allele origin: germline.
Comment: The p.R686S variant (also known as c.2058G>T), located in coding exon 5 of the PALB2 gene, results from a G to T substitution at nucleotide position 2058. The arginine at codon 686 is replaced by serine, an amino acid with dissimilar properties. This amino acid position is poorly conserved in available vertebrate species. In addition, this alteration is predicted to be tolerated by in silico analysis. Since supporting evidence is limited at this time, the clinical significance of this alteration remains unclear.

Labcorp Genetics (formerly Invitae), Labcorp
Classification: Uncertain significance for Familial cancer of breast. Last evaluated: 2025-04-23. Review status: criteria provided, single submitter. Criteria: Invitae Variant Classification Sherloc (09022015). Collection method: clinical testing. Allele origin: germline.
Comment: This sequence change replaces arginine, which is basic and polar, with serine, which is neutral and polar, at codon 686 of the PALB2 protein (p.Arg686Ser). This variant is present in population databases (rs771376636, gnomAD 0.006%). This missense change has been observed in individual(s) with breast cancer and/or pancreatic cancer (PMID: 241536, 35171259). ClinVar contains an entry for this variant (Variation ID: 241536). Invitae Evidence Modeling of protein sequence and biophysical properties (such as structural, functional, and spatial information, amino acid conservation, physicochemical variation, residue mobility, and thermodynamic stability) indicates that this missense variant is not expected to disrupt PALB2 protein function with a negative predictive value of 80%. In summary, the available evidence is currently insufficient to determine the role of this variant in disease. Therefore, it has been classified as a Variant of Uncertain Significance.

Molecular Pathology, Peter Maccallum Cancer Centre
Classification: Uncertain significance for Familial cancer of breast. Last evaluated: 2024-08-12. Review status: criteria provided, single submitter. Criteria: ACMG Guidelines, 2015. Collection method: clinical testing. Allele origin: germline. Inheritance: Autosomal dominant inheritance.

Color Diagnostics, LLC DBA Color Health
Classification: Uncertain significance for Hereditary cancer-predisposing syndrome. Last evaluated: 2019-06-21. Review status: criteria provided, single submitter. Criteria: ACMG Guidelines, 2015. Collection method: clinical testing. Allele origin: germline.

GeneDx
Classification: Uncertain significance. Last evaluated: 2016-06-03. Review status: criteria provided, single submitter. Criteria: GeneDx Variant Classification (06012015). Collection method: clinical testing. Allele origin: germline. Affected: yes.
Comment: This variant is denoted PALB2 c.2058G>T at the cDNA level, p.Arg686Ser (R686S) at the protein level, and results in the change of an Arginine to a Serine (AGG>AGT). This variant has not, to our knowledge, been published in the literature as pathogenic or benign. PALB2 Arg686Ser was not observed in approximately 6,500 individuals of European and African American ancestry in the NHLBI Exome Sequencing Project, suggesting it is not a common benign variant in these populations. Since Arginine and Serine differ in some properties, this is considered a semi-conservative amino acid substitution. PALB2 Arg686Ser occurs at a position that is not conserved and is not located in a known functional domain (UniProt). In silico analyses predict that this variant is unlikely to alter protein structure or function. Based on currently available evidence, it is unclear whether PALB2 Arg686Ser is a pathogenic or benign variant. We consider it to be a variant of uncertain significance.

Literature cited by the submitters: PubMed 241536 (cited by Labcorp Genetics (formerly Invitae), Labcorp); PubMed 35171259 (cited by Labcorp Genetics (formerly Invitae), Labcorp).

NM_024675.4(PALB2):c.2058G>T (p.Arg686Ser)

Gene: PALB2 (partner and localizer of BRCA2; minus strand). Cytogenetic location: 16p12.2.
Variant type: single nucleotide variant.
Coding change: c.2058G>T on transcript NM_024675.4 (MANE Select); coding-DNA position 2058, G replaced by T.
Protein change: p.Arg686Ser; replaces arginine 686 with serine.
Molecular consequence: missense variant.
Genome position (GRCh38, 1-based): chr16:23,630,096, C>A on the plus strand (G>T on the coding strand, the complement: PALB2 is on the minus strand). VCF-style: chr16-23630096-C-A. GRCh37 (hg19) VCF-style: chr16-23641417-C-A.
Other names: short protein forms R686S.
Identifiers: ClinVar variation 241536 (VCV000241536.21), dbSNP rs771376636, ClinGen allele CA7963628.
Genomic context (GRCh38, chr16:23,630,096, plus strand): 5'-AGTATAAAGTAATATGGATGAAGAAAGGCCCGTCTTTGTATGCTGGCTTTGCGAGTTTGG[C>A]CTTTTGGGATGTGATTTTCCTGGTAGAACAATAAGGTCCTCTTCTAAGTCCTCCATTTCT-3'
Protein context (NP_078951.2, residues 676-696): IVLPGKSHPK[Arg686Ser]PNSQSQHTKT